The following is an entry in ClinVar:

ClinVar aggregate classification (germline): Conflicting classifications of pathogenicity. Review status: criteria provided, conflicting classifications (1 of 4 stars). 3 submissions from 3 submitters: Likely pathogenic (2); Uncertain significance (1). Last evaluated 2026-09-19.

Conditions:
Neuropathy, hereditary sensory and autonomic, type 2A (HSAN2A). Also called: MORVAN DISEASE; NEUROPATHY, CONGENITAL SENSORY; NEUROPATHY, HEREDITARY SENSORY RADICULAR, AUTOSOMAL RECESSIVE; NEUROPATHY, HEREDITARY SENSORY, TYPE IIA; NEUROPATHY, PROGRESSIVE SENSORY, OF CHILDREN; WNK1-Related HSAN2 (HSAN2A). Identifiers: Orphanet 970, MedGen C2752089, MONDO:0024309, OMIM 201300.
Generalized epilepsy with febrile seizures plus, type 7 (GEFSP7). Also called: GEFS+, TYPE 7. Identifiers: Orphanet 36387, MedGen C2751778, MONDO:0013470, OMIM 613863.
Inborn genetic diseases. Identifiers: MedGen C0950123, MeSH D030342.

Allele frequency attached by ClinVar (database versions not stated): TOPMed 0.00001; gnomAD exomes 0.00001; ExAC 0.00001.
gnomAD v4.1: 6 of 1,601,180 alleles (0.00037%); highest among the groups gnomAD compares: Non-Finnish European, 0.00051%; no homozygotes.

Submissions (3):

GeneDx
Classification: Likely pathogenic. Last evaluated: 2026-09-19. Review status: criteria provided, single submitter. Criteria: GeneDx Variant Classification Process June 2021. Collection method: clinical testing. Allele origin: germline.
Comment: Canonical splice site variant predicted to result in an in-frame loss of the adjacent exon in a gene for which loss of function is a known mechanism of disease; Not observed at significant frequency in large population cohorts (gnomAD); This variant is associated with the following publications: (PMID: 19304393, 17470132, 31440721, 37769650)

Labcorp Genetics (formerly Invitae), Labcorp
Classification: Likely pathogenic for Neuropathy, hereditary sensory and autonomic, type 2A; Generalized epilepsy with febrile seizures plus, type 7. Last evaluated: 2023-10-17. Review status: criteria provided, single submitter. Criteria: Invitae Variant Classification Sherloc (09022015). Collection method: clinical testing. Allele origin: germline.
Comment: This sequence change affects a donor splice site in intron 25 of the SCN9A gene. It is expected to disrupt RNA splicing. Variants that disrupt the donor or acceptor splice site typically lead to a loss of protein function (PMID: 16199547), and loss-of-function variants in SCN9A are known to be pathogenic (PMID: 17470132, 19304393). This variant is present in population databases (rs746241591, gnomAD 0.0009%). Disruption of this splice site has been observed in individual(s) with SCN9A-related conditions (PMID: 31440721). ClinVar contains an entry for this variant (Variation ID: 245854). Algorithms developed to predict the effect of sequence changes on RNA splicing suggest that this variant may disrupt the consensus splice site. In summary, the currently available evidence indicates that the variant is pathogenic, but additional data are needed to prove that conclusively. Therefore, this variant has been classified as Likely Pathogenic.

Ambry Genetics
Classification: Uncertain significance for Inborn genetic diseases. Last evaluated: 2020-05-15. Review status: criteria provided, single submitter. Criteria: Ambry Variant Classification Scheme 2023. Collection method: clinical testing. Allele origin: germline.
Comment: The c.4470+1G>T intronic variant results from a G to T substitution one nucleotide after coding exon 24 of the SCN9A gene. Alterations that disrupt the canonical splice site are expected to cause aberrant splicing, resulting in an abnormal protein or a transcript that is subject to nonsense-mediated mRNA decay. However, one of the predicted consequences is skipping of coding exon 24, leading to an in-frame deletion with unknown functional impact. This nucleotide position is highly conserved in available vertebrate species. Using two different splice site prediction tools, this alteration is predicted by BDGP to abolish the native splice donor site, but is predicted to weaken (but not abolish) the efficiency of the native splice donor site by ESEfinder; however, direct evidence is unavailable. Since supporting evidence is limited at this time, the clinical significance of this alteration remains unclear.

Literature cited by the submitters: PubMed 16199547 (cited by Labcorp Genetics (formerly Invitae), Labcorp); PubMed 17470132 (cited by Labcorp Genetics (formerly Invitae), Labcorp); PubMed 19304393 (cited by Labcorp Genetics (formerly Invitae), Labcorp); PubMed 31440721 (cited by Labcorp Genetics (formerly Invitae), Labcorp).

NM_001365536.1(SCN9A):c.4503+1G>T

Genes: SCN1A-AS1 (SCN1A and SCN9A antisense RNA 1; plus strand), SCN9A (sodium voltage-gated channel alpha subunit 9; minus strand). Cytogenetic location: 2q24.3.
Variant type: single nucleotide variant.
Coding change: c.4503+1G>T on transcript NM_001365536.1 (MANE Select); the canonical splice donor site of the intron after coding-DNA position 4503, G replaced by T.
Molecular consequence: splice donor variant.
Genome position (GRCh38, 1-based): chr2:166,204,359, C>A on the plus strand (G>T on the coding strand, the complement: SCN9A is on the minus strand). VCF-style: chr2-166204359-C-A. GRCh37 (hg19) VCF-style: chr2-167060869-C-A.
Other names: c.4470+1G>T (NM_002977.4).
Identifiers: ClinVar variation 245854 (VCV000245854.14), dbSNP rs746241591, ClinGen allele CA1943852.